The following is an entry in ClinVar:

NM_000455.5(STK11):c.901del (p.Arg301fs)

Gene: STK11 (serine/threonine kinase 11; plus strand). Cytogenetic location: 19p13.3.
Variant type: Deletion.
Coding change: c.901del on transcript NM_000455.5 (MANE Select); coding-DNA position 901, one base deleted (C; older notation c.901delC).
Protein change: p.Arg301fs; shifts the reading frame from arginine 301.
Molecular consequence: frameshift variant.
Genome position (GRCh38, 1-based): chr19:1,221,987, C deleted; the last of 2 consecutive C bases (chr19:1,221,986-1,221,987); deleting either gives the same sequence. VCF-style (leftmost placement, unchanged base first): chr19-1221985-TC-T. GRCh37 (hg19) VCF-style: chr19-1221984-TC-T.
Other names: c.901delC, p.Arg301Glyfs (NM_001407255.1); short protein forms R301fs.
Identifiers: ClinVar variation 1765498 (VCV001765498.3), dbSNP rs2512946690, ClinGen allele CA913188987.

ClinVar aggregate classification (germline): Pathogenic (1 of 4 stars; one submission).

Conditions:
Hereditary cancer-predisposing syndrome. Also called: Tumor predisposition; Hereditary Cancer Syndrome; Hereditary neoplastic syndrome; Neoplastic Syndromes, Hereditary. Identifiers: Orphanet 140162, MedGen C0027672, MeSH D009386, MONDO:0015356.

Submission:

Ambry Genetics
Classification: Pathogenic for Hereditary cancer-predisposing syndrome. Last evaluated: 2026-01-13. Review status: criteria provided, single submitter. Criteria: Ambry Variant Classification Scheme 2023. Collection method: clinical testing. Allele origin: germline.
Comment: The c.901delC pathogenic mutation, located in coding exon 7 of the STK11 gene, results from a deletion of one nucleotide at nucleotide position 901, causing a translational frameshift with a predicted alternate stop codon (p.R301Gfs*35). This variant is considered to be rare based on population cohorts in the Genome Aggregation Database (gnomAD). This alteration is expected to result in loss of function by premature protein truncation or nonsense-mediated mRNA decay. As such, this alteration is interpreted as a disease-causing mutation.